The following is an entry in ClinVar:

NM_000169.3(GLA):c.369+990C>A

Genes: GLA (galactosidase alpha; minus strand), RPL36A-HNRNPH2 (RPL36A-HNRNPH2 readthrough; plus strand). Cytogenetic location: Xq22.1.
Variant type: single nucleotide variant.
Coding change: c.369+990C>A on transcript NM_000169.3 (MANE Select); 990 bases into the intron after coding-DNA position 369, C replaced by A.
Molecular consequence: intron variant.
Genome position (GRCh38, 1-based): chrX:101,402,821, G>T on the plus strand (C>A on the coding strand, the complement: GLA is on the minus strand). VCF-style: chrX-101402821-G-T. GRCh37 (hg19) VCF-style: chrX-100657809-G-T.
Other names: c.300+7364G>T (NM_001199973.2); c.178-9115G>T (NM_001199974.2); c.492+990C>A (NM_001406747.1, NM_001406749.1); c.369+990C>A (NM_001406748.1).
Identifiers: ClinVar variation 4087099 (VCV004087099.2).

ClinVar aggregate classification (germline): Benign (1 of 4 stars; one submission).

Conditions:
Fabry disease. Also called: ALPHA-GALACTOSIDASE A DEFICIENCY; ANDERSON-FABRY DISEASE; CERAMIDE TRIHEXOSIDASE DEFICIENCY; GLA DEFICIENCY; HEREDITARY DYSTOPIC LIPIDOSIS; Angiokeratoma corporis diffusum. Identifiers: Orphanet 324, MedGen C0002986, MONDO:0010526, OMIM 301500, HP:0001071. Disease mechanism: Fabry disease is due to inactivating mutations in the X-linked GLA gene resulting in deficiency of the enzyme Alpha Galactosidase-A., loss of function.

gnomAD v4.1: 14,224 of 111,067 alleles (13%); highest among the groups gnomAD compares: South Asian, 30%; 684 homozygotes.

Submission:

Genomenon, Inc
Classification: Benign for Fabry disease. Last evaluated: 2026-09-08. Review status: criteria provided, single submitter. Criteria: Genomenon Sequence Variant Interpretation Standards - Updated. Collection method: curation. Allele origin: germline. Affected: no.
Comment: GLA c.369+990C>A is an intronic variant located in intron 2. This variant is present at high allele frequency in population databases. We classify GLA c.369+990C>A as a benign variant.